The following is an entry in ClinVar:

ClinVar aggregate classification (germline): Likely benign (0 of 4 stars; one submission).

Conditions:
PKHD1L1-related disorder. Also called: PKHD1L1-related condition.

gnomAD v4.1: 536 of 1,610,610 alleles (0.033%); highest among the groups gnomAD compares: South Asian, 0.54%; 5 homozygotes.

Submission:

PreventionGenetics, part of Exact Sciences
Classification: Likely benign for PKHD1L1-related condition. Last evaluated: 2024-08-26. Review status: no assertion criteria provided. Collection method: clinical testing. Allele origin: germline.
Comment: This variant is classified as likely benign based on ACMG/AMP sequence variant interpretation guidelines (Richards et al. 2015 PMID: 25741868, with internal and published modifications).

NM_177531.6(PKHD1L1):c.652G>T (p.Gly218Ter)

Gene: PKHD1L1 (PKHD1 like 1; plus strand). Cytogenetic location: 8q23.1.
Variant type: single nucleotide variant.
Coding change: c.652G>T on transcript NM_177531.6 (MANE Select); coding-DNA position 652, G replaced by T.
Protein change: p.Gly218Ter; replaces glycine 218 with a stop codon.
Molecular consequence: nonsense.
Genome position (GRCh38, 1-based): chr8:109,389,107, G>T. VCF-style: chr8-109389107-G-T. GRCh37 (hg19) VCF-style: chr8-110401336-G-T.
Other names: short protein forms G218*.
Identifiers: ClinVar variation 3356670 (VCV003356670.1).